The following is an entry in ClinVar:

NM_005257.6(GATA6):c.1456_1468del (p.Glu486fs)

Gene: GATA6 (GATA binding protein 6; plus strand). Cytogenetic location: 18q11.2.
Variant type: Deletion.
Coding change: c.1456_1468del on transcript NM_005257.6 (MANE Select); coding-DNA positions 1456 to 1468, 13 bases deleted (GAGGGAATTCAAA).
Protein change: p.Glu486fs; shifts the reading frame from glutamic acid 486.
Molecular consequence: frameshift variant.
Genome position (GRCh38, 1-based): chr18:22,182,784-22,182,796, GAGGGAATTCAAA deleted; deleting any 13 consecutive bases within chr18:22,182,781-22,182,796 gives the same sequence; the c. name uses the placement nearest the transcript's 3' end. VCF-style (leftmost placement, unchanged base first): chr18-22182780-AAAAGAGGGAATTC-A. GRCh37 (hg19) VCF-style: chr18-19762741-AAAAGAGGGAATTC-A.
Other names: short protein forms E486fs.
Identifiers: ClinVar variation 3647503 (VCV003647503.2).

ClinVar aggregate classification (germline): Pathogenic (1 of 4 stars; one submission).

Conditions:
Atrioventricular septal defect 5 (AVSD5). Identifiers: MedGen C3280939, MONDO:0013769, OMIM 614474.

Submission:

Labcorp Genetics (formerly Invitae), Labcorp
Classification: Pathogenic for Atrioventricular septal defect 5. Last evaluated: 2024-03-28. Review status: criteria provided, single submitter. Criteria: Invitae Variant Classification Sherloc (09022015). Collection method: clinical testing. Allele origin: germline.
Comment: This sequence change creates a premature translational stop signal (p.Glu486Profs*9) in the GATA6 gene. It is expected to result in an absent or disrupted protein product. Loss-of-function variants in GATA6 are known to be pathogenic (PMID: 22158542, 24310933). This variant is not present in population databases (gnomAD no frequency). This variant has not been reported in the literature in individuals affected with GATA6-related conditions. For these reasons, this variant has been classified as Pathogenic.

Literature cited by the submitters: PubMed 22158542; PubMed 24310933.